The following is an entry in ClinVar:

ClinVar aggregate classification (germline): Uncertain significance (1 of 4 stars; one submission).

Conditions:
Centromeric instability of chromosomes 1,9 and 16 and immunodeficiency (ICF1). Also called: CENTROMERIC INSTABILITY, IMMUNODEFICIENCY SYNDROME; IMMUNE DEFICIENCY, VARIABLE, WITH CENTROMERIC INSTABILITY OF CHROMOSOMES 1, 9, AND 16; IMMUNODEFICIENCY SYNDROME, VARIABLE; Immunodeficiency-centromeric instability-facial anomalies. Identifiers: Orphanet 2268, MedGen C0398788, MONDO:0000133.

Submission:

Labcorp Genetics (formerly Invitae), Labcorp
Classification: Uncertain significance for Centromeric instability of chromosomes 1,9 and 16 and immunodeficiency. Last evaluated: 2024-02-25. Review status: criteria provided, single submitter. Criteria: Invitae Variant Classification Sherloc (09022015). Collection method: clinical testing. Allele origin: germline.
Comment: This sequence change replaces arginine, which is basic and polar, with histidine, which is basic and polar, at codon 823 of the DNMT3B protein (p.Arg823His). This variant is not present in population databases (gnomAD no frequency). This variant has not been reported in the literature in individuals affected with DNMT3B-related conditions. Advanced modeling of protein sequence and biophysical properties (such as structural, functional, and spatial information, amino acid conservation, physicochemical variation, residue mobility, and thermodynamic stability) performed at Invitae indicates that this missense variant is expected to disrupt DNMT3B protein function with a positive predictive value of 80%. In summary, the available evidence is currently insufficient to determine the role of this variant in disease. Therefore, it has been classified as a Variant of Uncertain Significance.

NM_006892.4(DNMT3B):c.2468G>A (p.Arg823His)

Gene: DNMT3B (DNA methyltransferase 3 beta; plus strand). Cytogenetic location: 20q11.21.
Variant type: single nucleotide variant.
Coding change: c.2468G>A on transcript NM_006892.4 (MANE Select); coding-DNA position 2468, G replaced by A.
Protein change: p.Arg823His; replaces arginine 823 with histidine.
Molecular consequence: missense variant. On other transcripts: synonymous variant (4).
Genome position (GRCh38, 1-based): chr20:32,807,809, G>A. VCF-style: chr20-32807809-G-A. GRCh37 (hg19) VCF-style: chr20-31395615-G-A.
Other names: c.2093G>A, p.Arg698His (NM_001207055.2); c.1991G>A, p.Arg664His (NM_001207056.2); c.2349G>A, p.Pro783= (NM_001424351.1); c.2342G>A, p.Arg781His (NM_001424352.1); c.2289G>A, p.Pro763= (NM_001424353.1); c.2282G>A, p.Arg761His (NM_001424354.1); c.2279G>A, p.Arg760His (NM_001424355.1); c.2223G>A, p.Pro741= (NM_001424356.1); and 7 more; short protein forms R718H, R760H, R698H, R740H, R761H, R664H, R752H, R781H.
Identifiers: ClinVar variation 2832517 (VCV002832517.3), dbSNP rs2515690389, ClinGen allele CA408593009.